The following is an entry in ClinVar:

NM_001167.4(XIAP):c.*6251C>T

Gene: XIAP (X-linked inhibitor of apoptosis; plus strand). Cytogenetic location: Xq25.
Variant type: single nucleotide variant.
Coding change: c.*6251C>T on transcript NM_001167.4 (MANE Select); 6251 bases downstream of the stop codon, C replaced by T.
Molecular consequence: 3 prime UTR variant. On other transcripts: non-coding transcript variant (2).
Genome position (GRCh38, 1-based): chrX:123,913,432, C>T. VCF-style: chrX-123913432-C-T. GRCh37 (hg19) VCF-style: chrX-123047282-C-T.
Other names: c.*6251C>T (NM_001204401.2, NM_001378590.1, NM_001378591.1 and 1 more transcripts).
Identifiers: ClinVar variation 367861 (VCV000367861.6), dbSNP rs28382755, ClinGen allele CA10508483.

ClinVar aggregate classification (germline): Benign. Review status: criteria provided, multiple submitters, no conflicts (2 of 4 stars). 2 submissions from 2 submitters: Benign (2). Last evaluated 2017-04-27.

Conditions:
X-linked lymphoproliferative disease due to XIAP deficiency. Also called: XIAP DEFICIENCY; XIAP-Related Lymphoproliferative Disease, X-Linked. Identifiers: Orphanet 2442, Orphanet 538934, MedGen C1845076, MONDO:0010385, OMIM 300635.

Allele frequency attached by ClinVar (database versions not stated): gnomAD 0.18915 and 0.19607; TOPMed 0.19302; gnomAD exomes 0.23815 and 0.24755; 1000 Genomes Project 30x 0.25744; 1000 Genomes Project 0.26702; ExAC 0.35586.
gnomAD v4.1: 72,678 of 325,278 alleles (22%); highest among the groups gnomAD compares: South Asian, 39%; 5,171 homozygotes.

Submissions (2):

Illumina Laboratory Services, Illumina
Classification: Benign for X-linked lymphoproliferative disease due to XIAP deficiency. Last evaluated: 2017-04-27. Review status: criteria provided, single submitter. Criteria: ICSL Variant Classification Criteria 13 December 2019. Collection method: clinical testing. Allele origin: germline.
Comment: This variant was observed as part of a predisposition screen in an ostensibly healthy population. A literature search was performed for the gene, cDNA change, and amino acid change (where applicable). No publications were found based on this search. Allele frequency data from public databases was too high to be consistent with this variant causing disease. Therefore, this variant is classified as benign.

Breakthrough Genomics
Classification: Benign. Review status: criteria provided, single submitter. Criteria: ACMG Guidelines, 2015. Collection method: not provided. Allele origin: germline. Inheritance: X-linked inheritance. Affected: yes.